The following is an entry in ClinVar:

ClinVar aggregate classification (germline): Uncertain significance (1 of 4 stars; one submission).

Allele frequency attached by ClinVar (database versions not stated): gnomAD exomes 0.00002; TOPMed 0.00002; ExAC 0.00001; gnomAD 0.00001.
gnomAD v4.1: 23 of 1,210,414 alleles (0.0019%); highest among the groups gnomAD compares: East Asian, 0.0089%; no homozygotes.

Submission:

Labcorp Genetics (formerly Invitae), Labcorp
Classification: Uncertain significance. Last evaluated: 2025-07-14. Review status: criteria provided, single submitter. Criteria: Invitae Variant Classification Sherloc (09022015). Collection method: clinical testing. Allele origin: germline.
Comment: This sequence change replaces glutamic acid, which is acidic and polar, with lysine, which is basic and polar, at codon 1635 of the COL4A6 protein (p.Glu1635Lys). This variant is present in population databases (rs776799928, gnomAD 0.005%). This variant has not been reported in the literature in individuals affected with COL4A6-related conditions. ClinVar contains an entry for this variant (Variation ID: 2724598). Invitae Evidence Modeling of protein sequence and biophysical properties (such as structural, functional, and spatial information, amino acid conservation, physicochemical variation, residue mobility, and thermodynamic stability) indicates that this missense variant is expected to disrupt COL4A6 protein function with a positive predictive value of 80%. In summary, the available evidence is currently insufficient to determine the role of this variant in disease. Therefore, it has been classified as a Variant of Uncertain Significance.

NM_033641.4(COL4A6):c.4900G>A (p.Glu1634Lys)

Gene: COL4A6 (collagen type IV alpha 6 chain; minus strand). Cytogenetic location: Xq22.3.
Variant type: single nucleotide variant.
Coding change: c.4900G>A on transcript NM_033641.4 (MANE Select); coding-DNA position 4900, G replaced by A.
Protein change: p.Glu1634Lys; replaces glutamic acid 1634 with lysine.
Molecular consequence: missense variant.
Genome position (GRCh38, 1-based): chrX:108,157,173, C>T on the plus strand (G>A on the coding strand, the complement: COL4A6 is on the minus strand). VCF-style: chrX-108157173-C-T. GRCh37 (hg19) VCF-style: chrX-107400403-C-T.
Other names: c.4951G>A, p.Glu1651Lys (NM_001287758.2); c.4828G>A, p.Glu1610Lys (NM_001287759.2); c.4729G>A, p.Glu1577Lys (NM_001287760.2); c.4903G>A, p.Glu1635Lys (NM_001847.4); short protein forms E1651K, E1635K, E1577K, E1610K, E1634K.
Identifiers: ClinVar variation 2724598 (VCV002724598.3), dbSNP rs776799928, ClinGen allele CA10487095.